The following is an entry in ClinVar:

NM_000213.5(ITGB4):c.754C>T (p.Arg252Cys)

Gene: ITGB4 (integrin subunit beta 4; plus strand). Cytogenetic location: 17q25.1.
Variant type: single nucleotide variant.
Coding change: c.754C>T on transcript NM_000213.5 (MANE Select); coding-DNA position 754, C replaced by T.
Protein change: p.Arg252Cys; replaces arginine 252 with cysteine.
Molecular consequence: missense variant.
Genome position (GRCh38, 1-based): chr17:75,730,256, C>T. VCF-style: chr17-75730256-C-T. GRCh37 (hg19) VCF-style: chr17-73726337-C-T.
Other names: c.754C>T (NM_000213.4); c.754C>T, p.Arg252Cys (NM_001005619.2, NM_001005731.3, NM_001321123.2); short protein forms R252C.
Identifiers: ClinVar variation 3582853 (VCV003582853.4).

ClinVar aggregate classification (germline): Pathogenic/Likely pathogenic. Review status: criteria provided, multiple submitters, no conflicts (2 of 4 stars). 3 submissions from 3 submitters: Pathogenic (1); Likely pathogenic (2). Last evaluated 2026-04-09.

Conditions:
Junctional epidermolysis bullosa with pyloric atresia. Also called: APLASIA CUTIS CONGENITA WITH GASTROINTESTINAL ATRESIA; CARMI SYNDROME; EB-PA-ACC; ITGB4-Related Epidermolysis Bullosa with Pyloric Atresia; Junctional Epidermolysis Bullosa- Pyloric Atresia Syndrome; Epidermolysis bullosa, junctional, with pyloric atresia and aplasia cutis congenita. Identifiers: Orphanet 79403, MedGen C5676875, MONDO:0009183, OMIM 226730.
Epidermolysis bullosa, junctional 5A, intermediate. Also called: EPIDERMOLYSIS BULLOSA, JUNCTIONAL 5A, GENERALIZED INTERMEDIATE; EPIDERMOLYSIS BULLOSA, JUNCTIONAL 5A, NON-HERLITZ TYPE. Identifiers: MedGen C5676956, MONDO:0030768, OMIM 619816.
ITGB4-related disorder. Also called: ITGB4-related condition.

gnomAD v4.1: 15 of 1,612,004 alleles (0.00093%); highest among the groups gnomAD compares: South Asian, 0.0055%; no homozygotes.

Submissions (3):

PreventionGenetics, part of Exact Sciences
Classification: Likely pathogenic for ITGB4-related condition. Last evaluated: 2026-04-09. Review status: criteria provided, single submitter. Criteria: ACMG Guidelines, 2015. Collection method: clinical testing. Allele origin: germline.
Comment: The ITGB4 c.754C>T variant is predicted to result in the amino acid substitution p.Arg252Cys. This variant was reported in the compound heterozygous state in individuals with epidermolysis bullosa with pyloric atresia (Pulkkinen et al. 1998. PubMed ID: 9792864; Iacovacci et al. 2003. PubMed ID: 14705814; Dang et al. 2008. PubMed ID: 18779879; He et al. 2025. PubMed ID: 40918660). This variant is reported in 0.0066% of alleles in individuals of African descent in gnomAD. This variant is interpreted as likely pathogenic.

Labcorp Genetics (formerly Invitae), Labcorp
Classification: Pathogenic. Last evaluated: 2024-06-05. Review status: criteria provided, single submitter. Criteria: Invitae Variant Classification Sherloc (09022015). Collection method: clinical testing. Allele origin: germline.
Comment: This sequence change replaces arginine, which is basic and polar, with cysteine, which is neutral and slightly polar, at codon 252 of the ITGB4 protein (p.Arg252Cys). This variant is present in population databases (rs201494421, gnomAD 0.004%). This missense change has been observed in individual(s) with autosomal recessive epidermolysis bullosa with or without pyloric atresia (PMID: 9792864, 14705814, 18779879). In at least one individual the data is consistent with being in trans (on the opposite chromosome) from a pathogenic variant. Advanced modeling of protein sequence and biophysical properties (such as structural, functional, and spatial information, amino acid conservation, physicochemical variation, residue mobility, and thermodynamic stability) has been performed at Invitae for this missense variant, however the output from this modeling did not meet the statistical confidence thresholds required to predict the impact of this variant on ITGB4 protein function. Studies have shown that this missense change alters ITGB4 gene expression (PMID: 14705814). For these reasons, this variant has been classified as Pathogenic.

Fulgent Genetics
Classification: Likely pathogenic for Junctional epidermolysis bullosa with pyloric atresia; Epidermolysis bullosa, junctional 5A, intermediate. Last evaluated: 2024-03-26. Review status: criteria provided, single submitter. Criteria: ACMG Guidelines, 2015. Collection method: clinical testing. Allele origin: germline.

Literature cited by the submitters: PubMed 9792864 (cited by Labcorp Genetics (formerly Invitae), Labcorp); PubMed 14705814 (cited by Labcorp Genetics (formerly Invitae), Labcorp); PubMed 18779879 (cited by Labcorp Genetics (formerly Invitae), Labcorp).